The following is an entry in ClinVar:

ClinVar aggregate classification (germline): Pathogenic/Likely pathogenic. Review status: criteria provided, multiple submitters, no conflicts (2 of 4 stars). 3 submissions from 3 submitters: Pathogenic (2); Likely pathogenic (1). Last evaluated 2025-03-04.

Conditions:
MEN1-related disorder. Also called: MEN1-related condition.

Submissions (3):

Center for Genomic Medicine, Rigshospitalet, Copenhagen University Hospital
Classification: Pathogenic. Last evaluated: 2025-03-04. Review status: criteria provided, single submitter. Criteria: ACMG Guidelines, 2015. Collection method: clinical testing. Allele origin: germline.

Blueprint Genetics
Classification: Likely pathogenic for MEN1-related disorders. Last evaluated: 2023-11-16. Review status: criteria provided, single submitter. Criteria: ACMG Guidelines, 2015. Collection method: clinical testing. Allele origin: germline. Affected: yes. Observed: 1 variant allele.

GeneDx
Classification: Pathogenic. Last evaluated: 2018-01-03. Review status: criteria provided, single submitter. Criteria: GeneDx Variant Classification (06012015). Collection method: clinical testing. Allele origin: germline. Affected: yes.
Comment: This duplication of one nucleotide in MEN1 is denoted c.332dupG at the cDNA level and p.Val112CysfsX5 (V112CfsX5) at the protein level. The normal sequence, with the base that is duplicated in brackets, is AGGGG[dupG]TGTC. The duplication causes a frameshift which changes a Valine to a Cysteine at codon 112, and creates a premature stop codon at position 5 of the new reading frame. Although this variant has not, to our knowledge, been reported in the literature, it is predicted to cause loss of normal protein function through either protein truncation or nonsense-mediated mRNA decay. We consider this variant to be pathogenic.

Literature cited by the submitters: PubMed 30339208 (cited by Center for Genomic Medicine, Rigshospitalet, Copenhagen University Hospital).

NM_001370259.2(MEN1):c.332dup (p.Val112fs)

Gene: MEN1 (menin 1; minus strand). Cytogenetic location: 11q13.1.
Variant type: Duplication.
Coding change: c.332dup on transcript NM_001370259.2 (MANE Select); coding-DNA position 332, one base duplicated (G; older notation c.332dupG).
Protein change: p.Val112fs; shifts the reading frame from valine 112.
Molecular consequence: frameshift variant.
Genome position (GRCh38, 1-based): chr11:64,809,778, C duplicated on the plus strand (G on the coding strand, the reverse complement: MEN1 is on the minus strand); the first of 5 consecutive C bases (chr11:64,809,778-64,809,782); duplicating any one gives the same sequence. VCF-style (leftmost placement, unchanged base first): chr11-64809777-A-AC. GRCh37 (hg19) VCF-style: chr11-64577249-A-AC.
Other names: c.332dup, p.Val112fs (NM_000244.4, NM_001370251.2, NM_001370260.2 and 9 more transcripts); c.332dupG (NM_130799.2); short protein forms V112fs.
Identifiers: ClinVar variation 545863 (VCV000545863.11), dbSNP rs1555166435, ClinGen allele CA658822917.
Genomic context (GRCh38, chr11:64,809,777, plus strand): 5'-GCGGCTGAGGCTGTTCCATATGACATCGGAGACCTTCTTCACCAGCTCACGGCTGGAGAC[A>AC]CCCCCTTCTCGAGGATAGAGGGACAGGTCGACGGCGCCTCGGATCTGGGCGGTGAAGCGG-3'